The following is an entry in ClinVar:

ClinVar aggregate classification (germline): Conflicting classifications of pathogenicity. Review status: criteria provided, conflicting classifications (1 of 4 stars). 6 submissions from 6 submitters: Uncertain significance (5); Likely benign (1). Last evaluated 2026-07-08.

Conditions:
Rhabdoid tumor predisposition syndrome 2 (RTPS2). Identifiers: Orphanet 231108, Orphanet 69077, MedGen C2750074, MONDO:0013224, OMIM 613325.
SMARCA4-related disorder. Also called: SMARCA4-related condition.
Hereditary cancer-predisposing syndrome. Also called: Tumor predisposition; Neoplastic Syndromes, Hereditary; Hereditary Cancer Syndrome; Hereditary neoplastic syndrome. Identifiers: Orphanet 140162, MedGen C0027672, MeSH D009386, MONDO:0015356.
Intellectual disability, autosomal dominant 16 (CSS4). Also called: COFFIN-SIRIS SYNDROME 4. Identifiers: Orphanet 1465, MedGen C3553249, MONDO:0013821, OMIM 614609.

Allele frequency attached by ClinVar (database versions not stated): ExAC 0.00003; gnomAD exomes 0.00002 and 0.00001; ESP Exome Variant Server 0.00008.
gnomAD v4.1: 10 of 1,613,596 alleles (0.00062%); highest among the groups gnomAD compares: East Asian, 0.0089%; no homozygotes.

Submissions (6):

Myriad Genetics, Inc.
Classification: Likely benign for Rhabdoid tumor predisposition syndrome 2. Last evaluated: 2026-07-08. Review status: criteria provided, single submitter. Criteria: Myriad Autosomal Dominant, Autosomal Recessive and X-Linked Classification Criteria (2023). Collection method: clinical testing. Allele origin: unknown.
Comment: This variant is considered likely benign. This variant has been observed at a population frequency that is significantly greater than expected given the associated disease prevalence and penetrance.

PreventionGenetics, part of Exact Sciences
Classification: Uncertain significance for SMARCA4-related condition. Last evaluated: 2026-03-31. Review status: criteria provided, single submitter. Criteria: ACMG Guidelines, 2015. Collection method: clinical testing. Allele origin: germline.
Comment: The SMARCA4 c.4501G>A variant is predicted to result in the amino acid substitution p.Val1501Met. This variant has been reported in the literature as a variant of uncertain significance in an individual with Coffin-Siris syndrome (Table S3, Santen et al. 2013. PubMed ID: 23929686). This variant is reported in 0.0062% of alleles in individuals of African descent in gnomAD. This variant is interpreted as uncertain in ClinVar (Variation ID: 537817). At this time, the clinical significance of this variant is uncertain due to the absence of conclusive functional and genetic evidence.

Labcorp Genetics (formerly Invitae), Labcorp
Classification: Uncertain significance for Rhabdoid tumor predisposition syndrome 2. Last evaluated: 2025-12-01. Review status: criteria provided, single submitter. Criteria: Invitae Variant Classification Sherloc (09022015). Collection method: clinical testing. Allele origin: germline.
Comment: This sequence change replaces valine, which is neutral and non-polar, with methionine, which is neutral and non-polar, at codon 1501 of the SMARCA4 protein (p.Val1501Met). This variant is present in population databases (rs370484739, gnomAD 0.007%). This variant has not been reported in the literature in individuals affected with SMARCA4-related conditions. ClinVar contains an entry for this variant (Variation ID: 537817). Invitae Evidence Modeling of protein sequence and biophysical properties (such as structural, functional, and spatial information, amino acid conservation, physicochemical variation, residue mobility, and thermodynamic stability) has been performed for this missense variant. However, the output from this modeling did not meet the statistical confidence thresholds required to predict the impact of this variant on SMARCA4 protein function. In summary, the available evidence is currently insufficient to determine the role of this variant in disease. Therefore, it has been classified as a Variant of Uncertain Significance.

Ambry Genetics
Classification: Uncertain significance for Hereditary cancer-predisposing syndrome. Last evaluated: 2024-09-17. Review status: criteria provided, single submitter. Criteria: Ambry Variant Classification Scheme 2023. Collection method: clinical testing. Allele origin: germline.
Comment: The p.V1501M variant (also known as c.4501G>A), located in coding exon 30 of the SMARCA4 gene, results from a G to A substitution at nucleotide position 4501. The valine at codon 1501 is replaced by methionine, an amino acid with highly similar properties. This variant has been reported in an individual with features of Coffin-Siris syndrome and was classified as a variant of unknown significance (Santen GW et al. Hum Mutat, 2013 Nov;34:1519-28). This variant has been detected in multiple individuals with no reported features of Coffin-Siris syndrome (Ambry internal data). This amino acid position is highly conserved in available vertebrate species. In addition, the in silico prediction for this alteration is inconclusive. Missense and in-frame variants in SMARCA4 are known to cause neurodevelopmental disorders; however, such associations with rhabdoid tumor predisposition syndrome including small cell carcinoma of the ovary-hypercalcemic type (SCCOHT) are exceedingly rare (Kosho T et al. Am J Med Genet C Semin Med Genet. 2014 Sep;166C(3):262-75; Jelinic P et al. Nat Genet. 2014 May;46(5):424-6). Based on the supporting evidence, the association of this alteration with rhabdoid tumor predisposition syndrome is unknown; however, the association of this alteration with Coffin-Siris syndrome is unlikely.

Baylor Genetics
Classification: Uncertain significance for Rhabdoid tumor predisposition syndrome 2. Last evaluated: 2024-02-14. Review status: criteria provided, single submitter. Criteria: ACMG Guidelines, 2015. Collection method: clinical testing. Allele origin: unknown.

Genome-Nilou Lab
Classification: Uncertain significance for Intellectual disability, autosomal dominant 16. Last evaluated: 2021-07-15. Review status: criteria provided, single submitter. Criteria: ACMG Guidelines, 2015. Collection method: clinical testing. Allele origin: germline. Affected: no.

Literature cited by the submitters: PubMed 23929686 (cited by Ambry Genetics).

NM_003072.5(SMARCA4):c.4405G>A (p.Val1469Met)

Gene: SMARCA4 (SWI/SNF related BAF chromatin remodeling complex subunit ATPase 4; plus strand). Cytogenetic location: 19p13.2.
Variant type: single nucleotide variant.
Coding change: c.4405G>A on transcript NM_003072.5 (MANE Select); coding-DNA position 4405, G replaced by A.
Protein change: p.Val1469Met; replaces valine 1469 with methionine.
Molecular consequence: missense variant. On other transcripts: non-coding transcript variant (1).
Genome position (GRCh38, 1-based): chr19:11,041,541, G>A. VCF-style: chr19-11041541-G-A. GRCh37 (hg19) VCF-style: chr19-11152217-G-A.
Other names: c.4315G>A, p.Val1439Met (NM_001128846.2, NM_001128845.2); c.4306G>A, p.Val1436Met (NM_001128847.4, NM_001128848.2, NM_001374457.1); c.4501G>A, p.Val1501Met (NM_001128849.3, NM_001387283.1); c.4405G>A, p.Val1469Met (NM_001128844.3); short protein forms V1501M, V1469M, V1436M, V1439M.
Identifiers: ClinVar variation 537817 (VCV000537817.22), dbSNP rs370484739, ClinGen allele CA9204712.
Genomic context (GRCh38, chr19:11,041,541, plus strand): 5'-GAGAAACTCTCCCCTAACCCACCCAACCTCACCAAGAAGATGAAGAAGATTGTGGATGCC[G>A]TGATCAAGTACAAGGACAGGTAAGCGAGGAGGCGGGGAGGGCGGGGGCTGTAGGGGTCCC-3'
Protein context (NP_003063.2, residues 1459-1479): TKKMKKIVDA[Val1469Met]IKYKDSSSGR